The following is an entry in ClinVar:

ClinVar aggregate classification (germline): Uncertain significance. Review status: criteria provided, multiple submitters, no conflicts (2 of 4 stars). 2 submissions from 2 submitters: Uncertain significance (2). Last evaluated 2025-07-31.

Conditions:
Spermatogenic failure 18. Identifiers: MedGen C4539783, MONDO:0054615, OMIM 617576.
Ciliary dyskinesia, primary, 37 (CILD37). Also called: CILIARY DYSKINESIA, PRIMARY, 37, WITH OR WITHOUT SITUS INVERSUS. Identifiers: MedGen C4539798, MONDO:0033204, OMIM 617577.

Allele frequency attached by ClinVar (database versions not stated): gnomAD exomes below 0.00001; gnomAD 0.00001; TOPMed 0.00001.

Submissions (2):

Labcorp Genetics (formerly Invitae), Labcorp
Classification: Uncertain significance for Ciliary dyskinesia, primary, 37; Spermatogenic failure 18. Last evaluated: 2025-07-31. Review status: criteria provided, single submitter. Criteria: Invitae Variant Classification Sherloc (09022015). Collection method: clinical testing. Allele origin: germline.
Comment: This sequence change replaces methionine, which is neutral and non-polar, with isoleucine, which is neutral and non-polar, at codon 1374 of the DNAH1 protein (p.Met1374Ile). This variant is not present in population databases (gnomAD no frequency). This variant has not been reported in the literature in individuals affected with DNAH1-related conditions. ClinVar contains an entry for this variant (Variation ID: 568763). An algorithm developed to predict the effect of missense changes on protein structure and function (PolyPhen-2) suggests that this variant is likely to be disruptive. In summary, the available evidence is currently insufficient to determine the role of this variant in disease. Therefore, it has been classified as a Variant of Uncertain Significance.

Blueprint Genetics
Classification: Uncertain significance. Last evaluated: 2024-07-08. Review status: criteria provided, single submitter. Criteria: ACMG Guidelines, 2015. Collection method: clinical testing. Allele origin: germline.

NM_015512.5(DNAH1):c.4122G>A (p.Met1374Ile)

Gene: DNAH1 (dynein axonemal heavy chain 1; plus strand). Cytogenetic location: 3p21.1.
Variant type: single nucleotide variant.
Coding change: c.4122G>A on transcript NM_015512.5 (MANE Select); coding-DNA position 4122, G replaced by A.
Protein change: p.Met1374Ile; replaces methionine 1374 with isoleucine.
Molecular consequence: missense variant.
Genome position (GRCh38, 1-based): chr3:52,358,593, G>A. VCF-style: chr3-52358593-G-A. GRCh37 (hg19) VCF-style: chr3-52392609-G-A.
Other names: short protein forms M1374I.
Identifiers: ClinVar variation 568763 (VCV000568763.7), dbSNP rs982525821, ClinGen allele CA74748453.